The following is an entry in ClinVar:

ClinVar aggregate classification (germline): Pathogenic (1 of 4 stars; one submission).

Conditions:
Hereditary cancer-predisposing syndrome. Also called: Neoplastic Syndromes, Hereditary; Hereditary Cancer Syndrome; Hereditary neoplastic syndrome; Tumor predisposition. Identifiers: Orphanet 140162, MedGen C0027672, MeSH D009386, MONDO:0015356.

Submission:

Ambry Genetics
Classification: Pathogenic for Hereditary cancer-predisposing syndrome. Last evaluated: 2023-06-09. Review status: criteria provided, single submitter. Criteria: Ambry Variant Classification Scheme 2023. Collection method: clinical testing. Allele origin: germline.
Comment: The c.383delC pathogenic mutation, located in coding exon 5 of the PMS2 gene, results from a deletion of one nucleotide at nucleotide position 383, causing a translational frameshift with a predicted alternate stop codon (p.S128Wfs*8). This variant is considered to be rare based on population cohorts in the Genome Aggregation Database (gnomAD). This alteration is expected to result in loss of function by premature protein truncation or nonsense-mediated mRNA decay. As such, this alteration is interpreted as a disease-causing mutation.

NM_000535.7(PMS2):c.383del (p.Ser128fs)

Gene: PMS2 (PMS1 homolog 2, mismatch repair system component; minus strand). Cytogenetic location: 7p22.1.
Variant type: Deletion.
Coding change: c.383del on transcript NM_000535.7 (MANE Select); coding-DNA position 383, one base deleted (C; older notation c.383delC).
Protein change: p.Ser128fs; shifts the reading frame from serine 128.
Molecular consequence: frameshift variant. On other transcripts: 5 prime UTR variant (29), non-coding transcript variant (1), intron variant (1).
Genome position (GRCh38, 1-based): chr7:6,002,607, G deleted on the plus strand (C on the coding strand, the reverse complement: PMS2 is on the minus strand). VCF-style (leftmost placement, unchanged base first): chr7-6002606-CG-C. GRCh37 (hg19) VCF-style: chr7-6042237-CG-C.
Other names: c.-23delC (NM_001018040.1); c.-23del (NM_001322003.2, NM_001322004.2, NM_001322005.2 and 24 more transcripts); c.383del, p.Ser128fs (NM_001322006.2, NM_001322014.2, NM_001406869.1 and 8 more transcripts); c.65del, p.Ser22fs (NM_001322007.2, NM_001322008.2, NM_001406876.1 and 4 more transcripts); c.-502del (NM_001322011.2, NM_001322012.2); c.74del, p.Ser25fs (NM_001322015.2, NM_001406875.1, NM_001406877.1 and 6 more transcripts); c.569del, p.Ser190fs (NM_001406866.1); c.407del, p.Ser136fs (NM_001406868.1); and 1 more; short protein forms S136fs, S128fs, S22fs, S25fs, S190fs.
Identifiers: ClinVar variation 2566086 (VCV002566086.2), dbSNP rs2536453194, ClinGen allele CA2580615885.